The following is an entry in ClinVar:

ClinVar aggregate classification (germline): Uncertain significance (1 of 4 stars; one submission).

Conditions:
Delpire-McNeill syndrome. Also called: SLC12A2-related autosomal dominant infantile-developmental delay-intellectual disability-sensorineural deafness syndrome. Identifiers: Orphanet 633024, MedGen C5436771, MONDO:0033667, OMIM 619083.

Submission:

Institute of Human Genetics, University of Goettingen
Classification: Uncertain significance for Delpire-McNeill syndrome. Last evaluated: 2024-12-02. Review status: criteria provided, single submitter. Criteria: ACMG Guidelines, 2015. Collection method: clinical testing. Allele origin: paternal. Inheritance: Autosomal dominant inheritance. Affected: yes. Observed: 1 heterozygote.
Comment: The variant c.3203A>G>A (p.(Asp1068Gly)) in exon 23 of the SLC12A2-gene is not found in the gnomAD database, it affects a moderately conserved nucleotide, and a moderately conserved amino acid and there is a moderate physicochemical difference between Asp and Gly. This variant has a pathogenic computational verdict based on in silico prediction algorithms. ACMG criteria used for classification: PM2_sup, PP3_mod.

NM_001046.3(SLC12A2):c.3203A>G (p.Asp1068Gly)

Gene: SLC12A2 (solute carrier family 12 member 2; plus strand). Cytogenetic location: 5q23.3.
Variant type: single nucleotide variant.
Coding change: c.3203A>G on transcript NM_001046.3 (MANE Select); coding-DNA position 3203, A replaced by G.
Protein change: p.Asp1068Gly; replaces aspartic acid 1068 with glycine.
Molecular consequence: missense variant. On other transcripts: non-coding transcript variant (1).
Genome position (GRCh38, 1-based): chr5:128,180,985, A>G. VCF-style: chr5-128180985-A-G. GRCh37 (hg19) VCF-style: chr5-127516677-A-G.
Other names: c.3155A>G, p.Asp1052Gly (NM_001256461.2); short protein forms D1052G, D1068G.
Identifiers: ClinVar variation 3775161 (VCV003775161.1).